The following is an entry in ClinVar:

ClinVar aggregate classification (germline): Uncertain significance. Review status: criteria provided, multiple submitters, no conflicts (2 of 4 stars). 2 submissions from 2 submitters: Uncertain significance (2). Last evaluated 2025-07-01.

Conditions:
Hereditary cancer-predisposing syndrome. Also called: Hereditary neoplastic syndrome; Tumor predisposition; Neoplastic Syndromes, Hereditary; Hereditary Cancer Syndrome. Identifiers: Orphanet 140162, MedGen C0027672, MeSH D009386, MONDO:0015356.
EGFR-related lung cancer (EGFR). Identifiers: MedGen CN130014.

Allele frequency attached by ClinVar (database versions not stated): gnomAD exomes below 0.00001.
gnomAD v4.1: 3 of 1,614,158 alleles (0.00019%); highest among the groups gnomAD compares: Non-Finnish European, 0.00025%; no homozygotes.

Submissions (2):

Ambry Genetics
Classification: Uncertain significance for Hereditary cancer-predisposing syndrome. Last evaluated: 2025-07-01. Review status: criteria provided, single submitter. Criteria: Ambry Variant Classification Scheme 2023. Collection method: clinical testing. Allele origin: germline.
Comment: The p.D388Y variant (also known as c.1162G>T), located in coding exon 10 of the EGFR gene, results from a G to T substitution at nucleotide position 1162. The aspartic acid at codon 388 is replaced by tyrosine, an amino acid with highly dissimilar properties. This amino acid position is well conserved in available vertebrate species. In addition, the in silico prediction for this alteration is inconclusive. Based on the available evidence, the clinical significance of this variant remains unclear.

Labcorp Genetics (formerly Invitae), Labcorp
Classification: Uncertain significance for EGFR-related lung cancer. Last evaluated: 2024-03-17. Review status: criteria provided, single submitter. Criteria: Invitae Variant Classification Sherloc (09022015). Collection method: clinical testing. Allele origin: germline.
Comment: This sequence change replaces aspartic acid, which is acidic and polar, with tyrosine, which is neutral and polar, at codon 388 of the EGFR protein (p.Asp388Tyr). This variant is not present in population databases (gnomAD no frequency). This variant has not been reported in the literature in individuals affected with EGFR-related conditions. ClinVar contains an entry for this variant (Variation ID: 1347314). Advanced modeling of protein sequence and biophysical properties (such as structural, functional, and spatial information, amino acid conservation, physicochemical variation, residue mobility, and thermodynamic stability) performed at Invitae indicates that this missense variant is not expected to disrupt EGFR protein function with a negative predictive value of 80%. Algorithms developed to predict the effect of sequence changes on RNA splicing suggest that this variant may disrupt the consensus splice site. In summary, the available evidence is currently insufficient to determine the role of this variant in disease. Therefore, it has been classified as a Variant of Uncertain Significance.

NM_005228.5(EGFR):c.1162G>T (p.Asp388Tyr)

Genes: EGFR (epidermal growth factor receptor; plus strand), LOC126860048 (P300/CBP strongly-dependent group 1 enhancer GRCh37_chr7:55223847-55225046; plus strand). Cytogenetic location: 7p11.2.
Variant type: single nucleotide variant.
Coding change: c.1162G>T on transcript NM_005228.5 (MANE Select); coding-DNA position 1162, G replaced by T.
Protein change: p.Asp388Tyr; replaces aspartic acid 388 with tyrosine.
Molecular consequence: missense variant.
Genome position (GRCh38, 1-based): chr7:55,156,787, G>T. VCF-style: chr7-55156787-G-T. GRCh37 (hg19) VCF-style: chr7-55224480-G-T.
Other names: c.1162G>T (NM_005228.3); c.1027G>T, p.Asp343Tyr (NM_001346897.2, NM_001346899.2); c.1162G>T, p.Asp388Tyr (NM_001346898.2, NM_201282.2, NM_201283.2 and 1 more transcripts); c.1003G>T, p.Asp335Tyr (NM_001346900.2); c.361G>T, p.Asp121Tyr (NM_001346941.2); short protein forms D121Y, D335Y, D388Y, D343Y.
Identifiers: ClinVar variation 1347314 (VCV001347314.9), dbSNP rs2128938720, ClinGen allele CA367578587.
Genomic context (GRCh38, chr7:55,156,787, plus strand): 5'-GTGATCAATAATCACCCTGTTGTTTGTTTCAGTGACTCCTTCACACATACTCCTCCTCTG[G>T]ATCCACAGGAACTGGATATTCTGAAAACCGTAAAGGAAATCACAGGTTTGAGCTGAATTA-3'
Protein context (NP_005219.2, residues 378-398): GDSFTHTPPL[Asp388Tyr]PQELDILKTV